The following is an entry in ClinVar:

ClinVar aggregate classification (germline): Uncertain significance. Review status: criteria provided, multiple submitters, no conflicts (2 of 4 stars). 2 submissions from 2 submitters: Uncertain significance (2). Last evaluated 2025-08-06.

Conditions:
Brugada syndrome. Also called: Sudden unexplained nocturnal death syndrome; Sudden unexpected nocturnal death syndrome; Sudden Unexplained Death Syndrome; Sudden Unexplained Nocturnal Death Syndrome (SUNDS). Identifiers: Orphanet 130, MedGen C1142166, MONDO:0015263.

Allele frequency attached by ClinVar (database versions not stated): gnomAD 0.00001; gnomAD exomes 0.00001 and 0.00003; TOPMed 0.00001; ExAC 0.00002; 1000 Genomes Project 30x 0.00016; 1000 Genomes Project 0.00020.
gnomAD v4.1: 11 of 1,604,974 alleles (0.00069%); highest among the groups gnomAD compares: East Asian, 0.022%; no homozygotes.

Submissions (2):

Labcorp Genetics (formerly Invitae), Labcorp
Classification: Uncertain significance for Brugada syndrome. Last evaluated: 2025-08-06. Review status: criteria provided, single submitter. Criteria: Invitae Variant Classification Sherloc (09022015). Collection method: clinical testing. Allele origin: germline.
Comment: This sequence change replaces valine, which is neutral and non-polar, with isoleucine, which is neutral and non-polar, at codon 530 of the SLMAP protein (p.Val530Ile). This variant is present in population databases (rs570222284, gnomAD 0.04%), and has an allele count higher than expected for a pathogenic variant. This variant has not been reported in the literature in individuals affected with SLMAP-related conditions. ClinVar contains an entry for this variant (Variation ID: 1422818). An algorithm developed to predict the effect of missense changes on protein structure and function (PolyPhen-2) suggests that this variant is likely to be tolerated. In summary, the available evidence is currently insufficient to determine the role of this variant in disease. Therefore, it has been classified as a Variant of Uncertain Significance.

Ambry Genetics
Classification: Uncertain significance. Last evaluated: 2025-05-25. Review status: criteria provided, single submitter. Criteria: Ambry Variant Classification Scheme 2023. Collection method: clinical testing. Allele origin: germline.

NM_001377540.1(SLMAP):c.1690G>A (p.Val564Ile)

Gene: SLMAP (sarcolemma associated protein; plus strand). Cytogenetic location: 3p14.3.
Variant type: single nucleotide variant.
Coding change: c.1690G>A on transcript NM_001377540.1 (MANE Select); coding-DNA position 1690, G replaced by A.
Protein change: p.Val564Ile; replaces valine 564 with isoleucine.
Molecular consequence: missense variant. On other transcripts: non-coding transcript variant (1), intron variant (1).
Genome position (GRCh38, 1-based): chr3:57,909,141, G>A. VCF-style: chr3-57909141-G-A. GRCh37 (hg19) VCF-style: chr3-57894868-G-A.
Other names: c.1588G>A (NM_007159.2); c.1639G>A, p.Val547Ile (NM_001304420.3, NM_001377541.1, NM_001377542.1); c.1525G>A, p.Val509Ile (NM_001304421.2, NM_001377557.1, NM_001377559.1); c.241G>A, p.Val81Ile (NM_001304422.3, NM_001311178.2); c.118G>A, p.Val40Ile (NM_001311179.2, NM_001377926.1, NM_001377927.1 and 1 more transcripts); c.1711G>A, p.Val571Ile (NM_001377538.1); c.1690G>A, p.Val564Ile (NM_001377539.1); c.1627G>A, p.Val543Ile (NM_001377545.1); and 9 more; short protein forms V468I, V502I, V526I, V571I, V40I, V543I, V564I, V485I.
Identifiers: ClinVar variation 1422818 (VCV001422818.10), dbSNP rs570222284, ClinGen allele CA2467207.